The following is an entry in ClinVar:

ClinVar aggregate classification (germline): Likely benign. Review status: criteria provided, multiple submitters, no conflicts (2 of 4 stars). 6 submissions from 6 submitters: Likely benign (6). Last evaluated 2026-08-01.

Conditions:
Hereditary cancer-predisposing syndrome. Also called: Hereditary neoplastic syndrome; Neoplastic Syndromes, Hereditary; Hereditary Cancer Syndrome; Tumor predisposition. Identifiers: Orphanet 140162, MedGen C0027672, MeSH D009386, MONDO:0015356.

Allele frequency attached by ClinVar (database versions not stated): gnomAD 0.00001; gnomAD exomes 0.00002 and 0.00003; TOPMed 0.00002; ExAC 0.00005; ESP Exome Variant Server 0.00008.
gnomAD v4.1: 33 of 1,613,828 alleles (0.002%); highest among the groups gnomAD compares: Non-Finnish European, 0.0026%; no homozygotes.

Submissions (6):

CeGaT Center for Human Genetics Tuebingen
Classification: Likely benign. Last evaluated: 2026-08-01. Review status: criteria provided, single submitter. Criteria: CeGaT Center For Human Genetics Tuebingen Variant Classification Criteria Version 2. Collection method: clinical testing. Allele origin: germline. Affected: yes. Observed: 4 variant alleles.
Comment: POLE: BP4, BP7

Labcorp Genetics (formerly Invitae), Labcorp
Classification: Likely benign. Last evaluated: 2026-01-12. Review status: criteria provided, single submitter. Criteria: Invitae Variant Classification Sherloc (09022015). Collection method: clinical testing. Allele origin: germline.

Center for Genomic Medicine, Rigshospitalet, Copenhagen University Hospital
Classification: Likely benign. Last evaluated: 2025-03-04. Review status: criteria provided, single submitter. Criteria: ACMG Guidelines, 2015. Collection method: clinical testing. Allele origin: germline.

Blueprint Genetics
Classification: Likely benign. Last evaluated: 2024-11-25. Review status: criteria provided, single submitter. Criteria: ACMG Guidelines, 2015. Collection method: clinical testing. Allele origin: germline.

GeneDx
Classification: Likely benign. Last evaluated: 2019-04-10. Review status: criteria provided, single submitter. Criteria: GeneDx Variant Classification Process June 2021. Collection method: clinical testing. Allele origin: germline. Affected: yes.

Ambry Genetics
Classification: Likely benign for Hereditary cancer-predisposing syndrome. Last evaluated: 2015-07-16. Review status: criteria provided, single submitter. Criteria: Ambry Variant Classification Scheme 2023. Collection method: clinical testing. Allele origin: germline.

NM_006231.4(POLE):c.6210T>A (p.Ile2070=)

Gene: POLE (DNA polymerase epsilon, catalytic subunit; minus strand). Cytogenetic location: 12q24.33.
Variant type: single nucleotide variant.
Coding change: c.6210T>A on transcript NM_006231.4 (MANE Select); coding-DNA position 6210, T replaced by A.
Protein change: p.Ile2070=; no amino-acid change (isoleucine 2070 retained).
Molecular consequence: synonymous variant.
Genome position (GRCh38, 1-based): chr12:132,632,435, A>T on the plus strand (T>A on the coding strand, the complement: POLE is on the minus strand). VCF-style: chr12-132632435-A-T. GRCh37 (hg19) VCF-style: chr12-133209021-A-T.
Identifiers: ClinVar variation 413590 (VCV000413590.43), dbSNP rs139990705, ClinGen allele CA6892249.